The following is an entry in ClinVar:

ClinVar aggregate classification (germline): Benign. Review status: criteria provided, multiple submitters, no conflicts (2 of 4 stars). 2 submissions from 2 submitters: Benign (2). Last evaluated 2018-01-13.

Conditions:
Gamma-aminobutyric acid transaminase deficiency (GABATD). Also called: GABA aminotransaminase deficiency; GABA transaminase deficiency; Gamma aminobutyrate transaminase deficiency; 4 alpha aminobutyrate transaminase deficiency. Identifiers: Orphanet 2066, MedGen C0342708, MONDO:0013166, OMIM 613163.

Allele frequency attached by ClinVar (database versions not stated): gnomAD 0.01677; 1000 Genomes Project 0.01917; 1000 Genomes Project 30x 0.02046.
gnomAD v4.1: 3,859 of 453,276 alleles (0.85%); highest among the groups gnomAD compares: African/African-American, 5.4%; 59 homozygotes.

Submissions (2):

Illumina Laboratory Services, Illumina
Classification: Benign for Gamma-aminobutyric acid transaminase deficiency. Last evaluated: 2018-01-13. Review status: criteria provided, single submitter. Criteria: ICSL Variant Classification Criteria 13 December 2019. Collection method: clinical testing. Allele origin: germline.
Comment: This variant was observed in the ICSL laboratory as part of a predisposition screen in an ostensibly healthy population. It had not been previously curated by ICSL or reported in the Human Gene Mutation Database (HGMD: prior to June 1st, 2018), and was therefore a candidate for classification through an automated scoring system. Utilizing variant allele frequency, disease prevalence and penetrance estimates, and inheritance mode, an automated score was calculated to assess if this variant is too frequent to cause the disease. Based on the score and internal cut-off values, a variant classified as benign is not then subjected to further curation. The score for this variant resulted in a classification of benign for this disease.

Breakthrough Genomics
Classification: Benign. Review status: criteria provided, single submitter. Criteria: ACMG Guidelines, 2015. Collection method: not provided. Allele origin: germline. Inheritance: Autosomal recessive inheritance. Affected: yes.

NM_020686.6(ABAT):c.*165A>T

Gene: ABAT (4-aminobutyrate aminotransferase; plus strand). Cytogenetic location: 16p13.2.
Variant type: single nucleotide variant.
Coding change: c.*165A>T on transcript NM_020686.6 (MANE Select); 165 bases downstream of the stop codon, A replaced by T.
Molecular consequence: 3 prime UTR variant.
Genome position (GRCh38, 1-based): chr16:8,781,595, A>T. VCF-style: chr16-8781595-A-T. GRCh37 (hg19) VCF-style: chr16-8875452-A-T.
Other names: c.*165A>T (NM_000663.5, NM_001127448.2, NM_001386600.1 and 14 more transcripts); c.*179A>T (NM_001386609.1, NM_001386616.1).
Identifiers: ClinVar variation 321093 (VCV000321093.6), dbSNP rs55638039, ClinGen allele CA10648215.